The following is an entry in ClinVar:

ClinVar aggregate classification (germline): Likely benign (1 of 4 stars; one submission).

gnomAD v4.1: 620 of 1,177,044 alleles (0.053%); highest among the groups gnomAD compares: Non-Finnish European, 0.057%; 175 homozygotes.

Submission:

CeGaT Center for Human Genetics Tuebingen
Classification: Likely benign. Last evaluated: 2026-07-01. Review status: criteria provided, single submitter. Criteria: CeGaT Center For Human Genetics Tuebingen Variant Classification Criteria Version 2. Collection method: clinical testing. Allele origin: germline. Affected: yes. Observed: 1 variant allele.
Comment: MUC12: BP4, BS2

NM_001164462.2(MUC12):c.12319T>A (p.Tyr4107Asn)

Gene: MUC12 (mucin 12, cell surface associated; plus strand). Cytogenetic location: 7q22.1.
Variant type: single nucleotide variant.
Coding change: c.12319T>A on transcript NM_001164462.2 (MANE Select); coding-DNA position 12319, T replaced by A.
Protein change: p.Tyr4107Asn; replaces tyrosine 4107 with asparagine.
Molecular consequence: missense variant.
Genome position (GRCh38, 1-based): chr7:101,002,882, T>A. VCF-style: chr7-101002882-T-A. GRCh37 (hg19) VCF-style: chr7-100646163-T-A.
Other names: short protein forms Y4107N.
Identifiers: ClinVar variation 5038832 (VCV005038832.1).